The following is an entry in ClinVar:

NM_017950.4(CCDC40):c.2014G>A (p.Gly672Ser)

Gene: CCDC40 (coiled-coil domain 40 molecular ruler complex subunit; plus strand). Cytogenetic location: 17q25.3.
Variant type: single nucleotide variant.
Coding change: c.2014G>A on transcript NM_017950.4 (MANE Select); coding-DNA position 2014, G replaced by A.
Protein change: p.Gly672Ser; replaces glycine 672 with serine.
Molecular consequence: missense variant.
Genome position (GRCh38, 1-based): chr17:80,084,767, G>A. VCF-style: chr17-80084767-G-A. GRCh37 (hg19) VCF-style: chr17-78058566-G-A.
Other names: c.2014G>A, p.Gly672Ser (NM_001243342.2); short protein forms G672S.
Identifiers: ClinVar variation 1447015 (VCV001447015.8), dbSNP rs769532664, ClinGen allele CA8814092.

ClinVar aggregate classification (germline): Uncertain significance (1 of 4 stars; one submission).

Conditions:
Primary ciliary dyskinesia. Also called: Ciliary dyskinesia. Identifiers: Orphanet 244, MedGen C0008780, MONDO:0016575, HP:0012265.

Allele frequency attached by ClinVar (database versions not stated): gnomAD 0.00001; gnomAD exomes 0.00001 and 0.00002; TOPMed 0.00001; ExAC 0.00003.
gnomAD v4.1: 13 of 1,613,928 alleles (0.00081%); highest among the groups gnomAD compares: Middle Eastern, 0.016%; no homozygotes.

Submission:

Labcorp Genetics (formerly Invitae), Labcorp
Classification: Uncertain significance for Primary ciliary dyskinesia. Last evaluated: 2021-05-28. Review status: criteria provided, single submitter. Criteria: Invitae Variant Classification Sherloc (09022015). Collection method: clinical testing. Allele origin: germline.
Comment: This variant has not been reported in the literature in individuals with CCDC40-related conditions. In summary, the available evidence is currently insufficient to determine the role of this variant in disease. Therefore, it has been classified as a Variant of Uncertain Significance. Algorithms developed to predict the effect of sequence changes on RNA splicing suggest that this variant may create or strengthen a splice site, but this prediction has not been confirmed by published transcriptional studies. Algorithms developed to predict the effect of missense changes on protein structure and function are either unavailable or do not agree on the potential impact of this missense change (SIFT: "Tolerated"; PolyPhen-2: "Possibly Damaging"; Align-GVGD: "Class C0"). This variant is present in population databases (rs769532664, ExAC 0.01%). This sequence change replaces glycine with serine at codon 672 of the CCDC40 protein (p.Gly672Ser). The glycine residue is moderately conserved and there is a small physicochemical difference between glycine and serine.